The following is an entry in ClinVar:

ClinVar aggregate classification (germline): Uncertain significance (1 of 4 stars; one submission).

Submission:

Ambry Genetics
Classification: Uncertain significance. Last evaluated: 2022-10-04. Review status: criteria provided, single submitter. Criteria: Ambry Variant Classification Scheme 2023. Collection method: clinical testing. Allele origin: germline.
Comment: The p.K169E variant (also known as c.505A>G), located in coding exon 1 of the TERF2IP gene, results from an A to G substitution at nucleotide position 505. The lysine at codon 169 is replaced by glutamic acid, an amino acid with similar properties. This amino acid position is conserved. In addition, this alteration is predicted to be tolerated by in silico analysis. Since supporting evidence is limited at this time, the clinical significance of this alteration remains unclear.

NM_018975.4(TERF2IP):c.505A>G (p.Lys169Glu)

Gene: TERF2IP (TERF2 interacting protein; plus strand). Cytogenetic location: 16q23.1.
Variant type: single nucleotide variant.
Coding change: c.505A>G on transcript NM_018975.4 (MANE Select); coding-DNA position 505, A replaced by G.
Protein change: p.Lys169Glu; replaces lysine 169 with glutamic acid.
Molecular consequence: missense variant. On other transcripts: non-coding transcript variant (1).
Genome position (GRCh38, 1-based): chr16:75,648,387, A>G. VCF-style: chr16-75648387-A-G. GRCh37 (hg19) VCF-style: chr16-75682285-A-G.
Other names: short protein forms K169E.
Identifiers: ClinVar variation 1745078 (VCV001745078.2), dbSNP rs2507074542, ClinGen allele CA396818047.